The following is an entry in ClinVar:

NM_002907.4(RECQL):c.567G>T (p.Val189=)

Gene: RECQL (RecQ like helicase; minus strand). Cytogenetic location: 12p12.1.
Variant type: single nucleotide variant.
Coding change: c.567G>T on transcript NM_002907.4 (MANE Select); coding-DNA position 567, G replaced by T.
Protein change: p.Val189=; no amino-acid change (valine 189 retained).
Molecular consequence: synonymous variant.
Genome position (GRCh38, 1-based): chr12:21,483,509, C>A on the plus strand (G>T on the coding strand, the complement: RECQL is on the minus strand). VCF-style: chr12-21483509-C-A. GRCh37 (hg19) VCF-style: chr12-21636443-C-A.
Other names: c.567G>T, p.Val189= (NM_032941.3).
Identifiers: ClinVar variation 3572223 (VCV003572223.2).

ClinVar aggregate classification (germline): Conflicting classifications of pathogenicity. Review status: criteria provided, conflicting classifications (1 of 4 stars). 2 submissions from 2 submitters: Uncertain significance (1); Likely benign (1). Last evaluated 2025-09-14.

Submissions (2):

Ambry Genetics
Classification: Likely benign. Last evaluated: 2025-09-14. Review status: criteria provided, single submitter. Criteria: Ambry Variant Classification Scheme 2023. Collection method: clinical testing. Allele origin: germline.

Quest Diagnostics Nichols Institute San Juan Capistrano
Classification: Uncertain significance. Last evaluated: 2023-12-06. Review status: criteria provided, single submitter. Criteria: Quest Diagnostics criteria. Collection method: clinical testing. Allele origin: unknown.
Comment: The RECQL c.567G>T (p.Val189=) synonymous variant has not been reported in individuals with RECQL-related conditions in the published literature. It also has not been reported in large, multi-ethnic general populations (Genome Aggregation Database). Analysis of this variant using software algorithms for the prediction of the effect of nucleotide changes on splicing yielded predictions that this variant does not affect RECQL mRNA splicing. Based on the available information, we are unable to determine the clinical significance of this variant.